The following is an entry in ClinVar:

NM_003000.3(SDHB):c.-6G>A

Gene: SDHB (succinate dehydrogenase complex iron sulfur subunit B; minus strand). Cytogenetic location: 1p36.13.
Variant type: single nucleotide variant.
Coding change: c.-6G>A on transcript NM_003000.3 (MANE Select); 6 bases upstream of the start codon, G replaced by A.
Molecular consequence: 5 prime UTR variant.
Genome position (GRCh38, 1-based): chr1:17,054,025, C>T on the plus strand (G>A on the coding strand, the complement: SDHB is on the minus strand). VCF-style: chr1-17054025-C-T. GRCh37 (hg19) VCF-style: chr1-17380520-C-T.
Other names: c.-6G>A (NM_003000.2).
Identifiers: ClinVar variation 1190165 (VCV001190165.15), dbSNP rs2295056, ClinGen allele CA089711.

ClinVar aggregate classification (germline): Conflicting classifications of pathogenicity. Review status: criteria provided, conflicting classifications (1 of 4 stars). 4 submissions from 4 submitters: Uncertain significance (2); Likely benign (2). Last evaluated 2025-11-21.

Conditions:
SDHB-related disorder. Also called: SDHB-related condition; SDHB-related disorders. Identifiers: MedGen CN239418.
Hereditary pheochromocytoma and paraganglioma. Also called: Hereditary Paraganglioma-Pheochromocytoma Syndromes; Hereditary paragangliomas and pheochromocytomas; Hereditary pheochromocytoma-paraganglioma. Identifiers: Orphanet 29072, MedGen C4274332, MONDO:0017366.

Allele frequency attached by ClinVar (database versions not stated): gnomAD 0.00003; gnomAD exomes 0.00003 and 0.00007; TOPMed 0.00003; ExAC 0.00011.
gnomAD v4.1: 48 of 1,607,708 alleles (0.003%); highest among the groups gnomAD compares: East Asian, 0.094%; no homozygotes.

Submissions (4):

PreventionGenetics, part of Exact Sciences
Classification: Likely benign for SDHB-related condition. Last evaluated: 2025-11-21. Review status: criteria provided, single submitter. Criteria: ACMG Guidelines, 2015. Collection method: clinical testing. Allele origin: germline.
Comment: This variant is classified as likely benign based on ACMG/AMP sequence variant interpretation guidelines (Richards et al. 2015 PMID: 25741868, with internal and published modifications).

Center for Genomic Medicine, Rigshospitalet, Copenhagen University Hospital
Classification: Likely benign. Last evaluated: 2025-03-04. Review status: criteria provided, single submitter. Criteria: ACMG Guidelines, 2015. Collection method: clinical testing. Allele origin: germline.

Color Diagnostics, LLC DBA Color Health
Classification: Uncertain significance for Hereditary pheochromocytoma and paraganglioma. Last evaluated: 2024-02-20. Review status: criteria provided, single submitter. Criteria: ACMG Guidelines, 2015. Collection method: clinical testing. Allele origin: germline.
Comment: This variant is located within the Kozak consensus sequence at the -6 position in the 5'UTR of the SDHB gene. To our knowledge, functional studies have not been reported for this variant. This variant has not been reported in individuals affected with hereditary cancer in the literature. This variant has been identified in 16/240516 chromosomes in the general population by the Genome Aggregation Database (gnomAD). The available evidence is insufficient to determine the role of this variant in disease conclusively. Therefore, this variant is classified as a Variant of Uncertain Significance.

GeneDx
Classification: Uncertain significance. Last evaluated: 2024-02-05. Review status: criteria provided, single submitter. Criteria: GeneDx Variant Classification Process June 2021. Collection method: clinical testing. Allele origin: germline. Affected: yes.
Comment: Alters the Kozak sequence, the nucleotides which play a major role in the initiation of translation; Nucleotide substitution has no predicted effect on splicing and is not conserved across species; Has not been previously published as pathogenic or benign to our knowledge